The following is an entry in ClinVar:

NM_001130438.3(SPTAN1):c.7426G>A (p.Val2476Met)

Gene: SPTAN1 (spectrin alpha, non-erythrocytic 1; plus strand). Cytogenetic location: 9q34.11.
Variant type: single nucleotide variant.
Coding change: c.7426G>A on transcript NM_001130438.3 (MANE Select); coding-DNA position 7426, G replaced by A.
Protein change: p.Val2476Met; replaces valine 2476 with methionine.
Molecular consequence: missense variant.
Genome position (GRCh38, 1-based): chr9:128,633,326, G>A. VCF-style: chr9-128633326-G-A. GRCh37 (hg19) VCF-style: chr9-131395605-G-A.
Other names: c.7351G>A, p.Val2451Met (NM_001195532.2); c.7489G>A, p.Val2497Met (NM_001363759.2); c.7366G>A, p.Val2456Met (NM_001363765.2, NM_001375314.2); c.7513G>A, p.Val2505Met (NM_001375310.1); c.7426G>A, p.Val2476Met (NM_001375311.2); c.7462G>A, p.Val2488Met (NM_001375312.2); c.7408G>A, p.Val2470Met (NM_001375313.1); c.7525G>A, p.Val2509Met (NM_001375318.1); and 1 more; short protein forms V2509M, V2451M, V2456M, V2497M, V2470M, V2471M, V2476M, V2505M.
Identifiers: ClinVar variation 1468751 (VCV001468751.8), dbSNP rs199569281, ClinGen allele CA5266110.

ClinVar aggregate classification (germline): Uncertain significance. Review status: criteria provided, multiple submitters, no conflicts (2 of 4 stars). 2 submissions from 2 submitters: Uncertain significance (2). Last evaluated 2024-10-21.

Conditions:
Early-infantile DEE. Also called: Ohtahara syndrome; Early infantile epileptic encephalopathy with suppression bursts; Early infantile epileptic encephalopathy. Identifiers: Orphanet 1934, MedGen C0393706, MONDO:0800491.

Allele frequency attached by ClinVar (database versions not stated): gnomAD 0.00001; ExAC 0.00002; TOPMed 0.00002; gnomAD exomes 0.00003.
gnomAD v4.1: 39 of 1,613,756 alleles (0.0024%); highest among the groups gnomAD compares: South Asian, 0.0044%; no homozygotes.

Submissions (2):

Labcorp Genetics (formerly Invitae), Labcorp
Classification: Uncertain significance for Early-infantile DEE. Last evaluated: 2024-10-21. Review status: criteria provided, single submitter. Criteria: Invitae Variant Classification Sherloc (09022015). Collection method: clinical testing. Allele origin: germline.
Comment: This sequence change replaces valine, which is neutral and non-polar, with methionine, which is neutral and non-polar, at codon 2476 of the SPTAN1 protein (p.Val2476Met). This variant is present in population databases (rs199569281, gnomAD 0.005%). This variant has not been reported in the literature in individuals affected with SPTAN1-related conditions. ClinVar contains an entry for this variant (Variation ID: 1468751). Invitae Evidence Modeling of protein sequence and biophysical properties (such as structural, functional, and spatial information, amino acid conservation, physicochemical variation, residue mobility, and thermodynamic stability) has been performed for this missense variant. However, the output from this modeling did not meet the statistical confidence thresholds required to predict the impact of this variant on SPTAN1 protein function. In summary, the available evidence is currently insufficient to determine the role of this variant in disease. Therefore, it has been classified as a Variant of Uncertain Significance.

Women's Health and Genetics/Laboratory Corporation of America, LabCorp
Classification: Uncertain significance. Last evaluated: 2024-07-09. Review status: criteria provided, single submitter. Criteria: LabCorp Variant Classification Summary - May 2015. Collection method: clinical testing. Allele origin: germline.
Comment: Variant summary: SPTAN1 c.7426G>A (p.Val2476Met) results in a conservative amino acid change in the encoded protein sequence. Three of five in-silico tools predict a benign effect of the variant on protein function. The variant allele was found at a frequency of 3.2e-05 in 251070 control chromosomes. The available data on variant occurrences in the general population are insufficient to allow any conclusion about variant significance. To our knowledge, no occurrence of c.7426G>A in individuals affected with Epileptic Encephalopathy, Early Infantile, 5 and no experimental evidence demonstrating its impact on protein function have been reported. ClinVar contains an entry for this variant (Variation ID: 1468751). Based on the evidence outlined above, the variant was classified as uncertain significance.